The following is an entry in ClinVar:

ClinVar aggregate classification (germline): Pathogenic (1 of 4 stars; one submission).

Conditions:
Inborn genetic diseases. Identifiers: MedGen C0950123, MeSH D030342.

Submission:

Ambry Genetics
Classification: Pathogenic for Inborn genetic diseases. Last evaluated: 2023-03-03. Review status: criteria provided, single submitter. Criteria: Ambry Variant Classification Scheme 2023. Collection method: clinical testing. Allele origin: germline.
Comment: The c.328delG (p.V110Sfs*21) alteration, located in exon 2 (coding exon 1) of the MYCN gene, consists of a deletion of one nucleotide at position 328, causing a translational frameshift with a predicted alternate stop codon after 21 amino acids. This alteration is expected to result in loss of function by premature protein truncation or nonsense-mediated mRNA decay. This variant was not reported in population-based cohorts in the Genome Aggregation Database (gnomAD). Based on the available evidence, this alteration is classified as pathogenic.

NM_005378.6(MYCN):c.328del (p.Val110fs)

Genes: MYCN (MYCN proto-oncogene, bHLH transcription factor; plus strand), MYCNOS (MYCN opposite strand; minus strand). Cytogenetic location: 2p24.3.
Variant type: Deletion.
Coding change: c.328del on transcript NM_005378.6 (MANE Select); coding-DNA position 328, one base deleted (G; older notation c.328delG).
Protein change: p.Val110fs; shifts the reading frame from valine 110.
Molecular consequence: frameshift variant. On other transcripts: non-coding transcript variant (1), 3 prime UTR variant (1), intron variant (1).
Genome position (GRCh38, 1-based): chr2:15,942,392, G deleted; the last of 2 consecutive G bases (chr2:15,942,391-15,942,392); deleting either gives the same sequence. VCF-style (leftmost placement, unchanged base first): chr2-15942390-CG-C. GRCh37 (hg19) VCF-style: chr2-16082512-CG-C.
Other names: c.328del, p.Val110fs (NM_001293228.2); c.*263del (NM_001293233.2); c.157+1649del (NM_001293231.2); short protein forms V110fs.
Identifiers: ClinVar variation 2486664 (VCV002486664.2), dbSNP rs2527925514, ClinGen allele CA2580063664.